The following is an entry in ClinVar:

NM_002160.4(TNC):c.5174C>T (p.Ser1725Leu)

Gene: TNC (tenascin C; minus strand). Cytogenetic location: 9q33.1.
Variant type: single nucleotide variant.
Coding change: c.5174C>T on transcript NM_002160.4 (MANE Select); coding-DNA position 5174, C replaced by T.
Protein change: p.Ser1725Leu; replaces serine 1725 with leucine.
Molecular consequence: missense variant.
Genome position (GRCh38, 1-based): chr9:115,042,293, G>A on the plus strand (C>T on the coding strand, the complement: TNC is on the minus strand). VCF-style: chr9-115042293-G-A. GRCh37 (hg19) VCF-style: chr9-117804572-G-A.
Other names: c.5174C>T (NM_002160.3); c.4628C>T, p.Ser1543Leu (NM_001410991.1); short protein forms S1543L, S1725L.
Identifiers: ClinVar variation 2499103 (VCV002499103.29), dbSNP rs146024320, ClinGen allele CA5207732.

ClinVar aggregate classification (germline): Benign/Likely benign. Review status: criteria provided, multiple submitters, no conflicts (2 of 4 stars). 2 submissions from 2 submitters: Benign (1); Likely benign (1). Last evaluated 2025-10-06.

Conditions:
TNC-related disorder. Also called: TNC-related condition.

Allele frequency attached by ClinVar (database versions not stated): gnomAD 0.00042; TOPMed 0.00042; ESP Exome Variant Server 0.00054; 1000 Genomes Project 0.00060; 1000 Genomes Project 30x 0.00078.
gnomAD v4.1: 161 of 1,614,096 alleles (0.01%); highest among the groups gnomAD compares: Middle Eastern, 0.15%; no homozygotes.

Submissions (2):

PreventionGenetics, part of Exact Sciences
Classification: Likely benign for TNC-related condition. Last evaluated: 2025-10-06. Review status: criteria provided, single submitter. Criteria: ACMG Guidelines, 2015. Collection method: clinical testing. Allele origin: germline.
Comment: This variant is classified as likely benign based on ACMG/AMP sequence variant interpretation guidelines (Richards et al. 2015 PMID: 25741868, with internal and published modifications).

CeGaT Center for Human Genetics Tuebingen
Classification: Benign. Last evaluated: 2023-01-01. Review status: criteria provided, single submitter. Criteria: CeGaT Center For Human Genetics Tuebingen Variant Classification Criteria Version 2. Collection method: clinical testing. Allele origin: germline. Affected: yes. Observed: 1 variant allele.
Comment: TNC: BS1, BS2